The following is an entry in ClinVar:

NM_024408.4(NOTCH2):c.7130C>T (p.Pro2377Leu)

Gene: NOTCH2 (notch receptor 2; minus strand). Cytogenetic location: 1p12.
Variant type: single nucleotide variant.
Coding change: c.7130C>T on transcript NM_024408.4 (MANE Select); coding-DNA position 7130, C replaced by T.
Protein change: p.Pro2377Leu; replaces proline 2377 with leucine.
Molecular consequence: missense variant.
Genome position (GRCh38, 1-based): chr1:119,915,592, G>A on the plus strand (C>T on the coding strand, the complement: NOTCH2 is on the minus strand). VCF-style: chr1-119915592-G-A. GRCh37 (hg19) VCF-style: chr1-120458215-G-A.
Other names: short protein forms P2377L.
Identifiers: ClinVar variation 1953787 (VCV001953787.6), dbSNP rs367757908, ClinGen allele CA1039315.

ClinVar aggregate classification (germline): Uncertain significance. Review status: criteria provided, multiple submitters, no conflicts (2 of 4 stars). 2 submissions from 2 submitters: Uncertain significance (2). Last evaluated 2024-01-20.

Conditions:
Hajdu-Cheney syndrome (HJCYS). Also called: Acroosteolysis dominant type; ACROOSTEOLYSIS WITH OSTEOPOROSIS AND CHANGES IN SKULL AND MANDIBLE; SERPENTINE FIBULA-POLYCYSTIC KIDNEY SYNDROME. Identifiers: Orphanet 955, MedGen C0917715, MONDO:0007057, OMIM 102500.
Alagille syndrome due to a NOTCH2 point mutation. Also called: Alagille syndrome 2. Identifiers: Orphanet 261629, Orphanet 52, MedGen C1857761, MONDO:0012439, OMIM 610205.

Allele frequency attached by ClinVar (database versions not stated): ExAC 0.00003; gnomAD 0.00003; gnomAD exomes 0.00003; TOPMed 0.00004; ESP Exome Variant Server 0.00008.
gnomAD v4.1: 43 of 1,613,914 alleles (0.0027%); highest among the groups gnomAD compares: Non-Finnish European, 0.0036%; no homozygotes.

Submissions (2):

Fulgent Genetics
Classification: Uncertain significance for Hajdu-Cheney syndrome; Alagille syndrome due to a NOTCH2 point mutation. Last evaluated: 2024-01-20. Review status: criteria provided, single submitter. Criteria: ACMG Guidelines, 2015. Collection method: clinical testing. Allele origin: germline.

Labcorp Genetics (formerly Invitae), Labcorp
Classification: Uncertain significance for Hajdu-Cheney syndrome. Last evaluated: 2022-09-19. Review status: criteria provided, single submitter. Criteria: Invitae Variant Classification Sherloc (09022015). Collection method: clinical testing. Allele origin: germline.
Comment: In summary, the available evidence is currently insufficient to determine the role of this variant in disease. Therefore, it has been classified as a Variant of Uncertain Significance. Advanced modeling of protein sequence and biophysical properties (such as structural, functional, and spatial information, amino acid conservation, physicochemical variation, residue mobility, and thermodynamic stability) performed at Invitae indicates that this missense variant is not expected to disrupt NOTCH2 protein function. This variant has not been reported in the literature in individuals affected with NOTCH2-related conditions. This variant is present in population databases (rs367757908, gnomAD 0.005%). This sequence change replaces proline, which is neutral and non-polar, with leucine, which is neutral and non-polar, at codon 2377 of the NOTCH2 protein (p.Pro2377Leu).